The following is an entry in ClinVar:

NM_000037.4(ANK1):c.4101C>T (p.Ala1367=)

Gene: ANK1 (ankyrin 1; minus strand). Cytogenetic location: 8p11.21.
Variant type: single nucleotide variant.
Coding change: c.4101C>T on transcript NM_000037.4 (MANE Select); coding-DNA position 4101, C replaced by T.
Protein change: p.Ala1367=; no amino-acid change (alanine 1367 retained).
Molecular consequence: synonymous variant.
Genome position (GRCh38, 1-based): chr8:41,690,230, G>A on the plus strand (C>T on the coding strand, the complement: ANK1 is on the minus strand). VCF-style: chr8-41690230-G-A. GRCh37 (hg19) VCF-style: chr8-41547748-G-A.
Other names: p.Ala1367=; c.4224C>T, p.Ala1408= (NM_001142446.2); c.4101C>T, p.Ala1367= (NM_020475.3, NM_020476.3, NM_020477.3).
Identifiers: ClinVar variation 261309 (VCV000261309.32), dbSNP rs7816734, ClinGen allele CA4727683.
Genomic context (GRCh38, chr8:41,690,230, plus strand): 5'-GGACCTCCTACAGGGAAGCCGTCTCGGGCCAAGGCTCCTCGGCAGGTGCCAGCTCACCTT[G>A]GCGCAGGGGGGCATGGTGATGTTCAGGTGGCAGAGAATGTGCTGGGTGTCCTCGTACTTC-3'
Protein context (NP_000028.3, residues 1357-1377): CHLNITMPPC[Ala1367=]KGSGAEDRRR

ClinVar aggregate classification (germline): Benign/Likely benign. Review status: criteria provided, multiple submitters, no conflicts (2 of 4 stars). 10 submissions from 9 submitters: Benign (9); Likely benign (1). Last evaluated 2026-02-03.

Conditions:
Spherocytosis. Identifiers: MedGen C0553720, HP:0004444.
Hereditary spherocytosis type 1. Also called: Spherocytosis type 1; ANK1-Related Spherocytosis. Identifiers: Orphanet 822, MedGen C2674218, MONDO:0008447, OMIM 182900.

Allele frequency attached by ClinVar (database versions not stated): gnomAD exomes 0.06548 and 0.07969; ExAC 0.08898; gnomAD 0.17170 and 0.18067; 1000 Genomes Project 0.18730; TOPMed 0.18778; ESP Exome Variant Server 0.19260; 1000 Genomes Project 30x 0.19300.

Submissions (10):

Labcorp Genetics (formerly Invitae), Labcorp
Classification: Benign. Last evaluated: 2026-02-03. Review status: criteria provided, single submitter. Criteria: Invitae Variant Classification Sherloc (09022015). Collection method: clinical testing. Allele origin: germline.

ARUP Laboratories, Molecular Genetics and Genomics, ARUP Laboratories
Classification: Benign for Hereditary spherocytosis type 1. Last evaluated: 2025-07-28. Review status: criteria provided, single submitter. Criteria: ARUP Molecular Germline Variant Investigation Process 2024. Collection method: clinical testing. Allele origin: germline.

Blueprint Genetics
Classification: Likely benign. Last evaluated: 2024-11-27. Review status: criteria provided, single submitter. Criteria: ACMG Guidelines, 2015. Collection method: clinical testing. Allele origin: germline.

Genome-Nilou Lab
Classification: Benign for Hereditary spherocytosis type 1. Last evaluated: 2021-12-05. Review status: criteria provided, single submitter. Criteria: ACMG Guidelines, 2015. Collection method: clinical testing. Allele origin: germline. Affected: no.

GeneDx
Classification: Benign. Last evaluated: 2021-06-09. Review status: criteria provided, single submitter. Criteria: GeneDx Variant Classification Process June 2021. Collection method: clinical testing. Allele origin: germline. Affected: yes.

Illumina Laboratory Services, Illumina
Classification: Benign for Hereditary spherocytosis type 1. Last evaluated: 2018-01-13. Review status: criteria provided, single submitter. Criteria: ICSL Variant Classification Criteria 13 December 2019. Collection method: clinical testing. Allele origin: germline.
Comment: This variant was observed in the ICSL laboratory as part of a predisposition screen in an ostensibly healthy population. It had not been previously curated by ICSL or reported in the Human Gene Mutation Database (HGMD: prior to June 1st, 2018), and was therefore a candidate for classification through an automated scoring system. Utilizing variant allele frequency, disease prevalence and penetrance estimates, and inheritance mode, an automated score was calculated to assess if this variant is too frequent to cause the disease. Based on the score and internal cut-off values, a variant classified as benign is not then subjected to further curation. The score for this variant resulted in a classification of benign for this disease.

Illumina Laboratory Services, Illumina
Classification: Benign for Spherocytosis. Last evaluated: 2018-01-13. Review status: criteria provided, single submitter. Criteria: ICSL Variant Classification Criteria 13 December 2019. Collection method: clinical testing. Allele origin: germline.
Comment: the same text as in the submission from Illumina Laboratory Services, Illumina above.

Mayo Clinic Laboratories, Mayo Clinic
Classification: Benign. Last evaluated: 2016-04-19. Review status: criteria provided, single submitter. Criteria: ACMG Guidelines, 2015. Collection method: clinical testing. Allele origin: germline. Observed: 580 variant alleles.

Breakthrough Genomics
Classification: Benign. Review status: criteria provided, single submitter. Criteria: ACMG Guidelines, 2015. Collection method: not provided. Allele origin: germline. Inheritance: Autosomal dominant inheritance. Affected: yes.

PreventionGenetics, part of Exact Sciences
Classification: Benign. Review status: criteria provided, single submitter. Criteria: ACMG Guidelines, 2015. Collection method: clinical testing. Allele origin: germline.